The following is an entry in ClinVar:

ClinVar aggregate classification (germline): Pathogenic (1 of 4 stars; one submission).

gnomAD v4.1: 2 of 1,613,864 alleles (0.00012%); highest among the groups gnomAD compares: Non-Finnish European, 0.00017%; no homozygotes.

Submission:

Labcorp Genetics (formerly Invitae), Labcorp
Classification: Pathogenic. Last evaluated: 2022-10-28. Review status: criteria provided, single submitter. Criteria: Invitae Variant Classification Sherloc (09022015). Collection method: clinical testing. Allele origin: germline.
Comment: This sequence change affects a donor splice site in intron 19 of the COL7A1 gene. It is expected to disrupt RNA splicing. Variants that disrupt the donor or acceptor splice site typically lead to a loss of protein function (PMID: 16199547), and loss-of-function variants in COL7A1 are known to be pathogenic (PMID: 16971478). This variant is not present in population databases (gnomAD no frequency). Disruption of this splice site has been observed in individual(s) with autosomal recessive dystrophic epidermolysis bullosa (PMID: 19681861, 34046686). ClinVar contains an entry for this variant (Variation ID: 1066243). Algorithms developed to predict the effect of sequence changes on RNA splicing suggest that this variant may disrupt the consensus splice site. For these reasons, this variant has been classified as Pathogenic.

Literature cited by the submitters: PubMed 16199547; PubMed 16971478; PubMed 19681861; PubMed 34046686.

NM_000094.4(COL7A1):c.2587+1G>C

Gene: COL7A1 (collagen type VII alpha 1 chain; minus strand). Cytogenetic location: 3p21.31.
Variant type: single nucleotide variant.
Coding change: c.2587+1G>C on transcript NM_000094.4 (MANE Select); the canonical splice donor site of the intron after coding-DNA position 2587, G replaced by C.
Molecular consequence: splice donor variant.
Genome position (GRCh38, 1-based): chr3:48,588,641, C>G on the plus strand (G>C on the coding strand, the complement: COL7A1 is on the minus strand). VCF-style: chr3-48588641-C-G. GRCh37 (hg19) VCF-style: chr3-48626074-C-G.
Identifiers: ClinVar variation 1066243 (VCV001066243.5), dbSNP rs1294265690, ClinGen allele CA352718311.